The following is an entry in ClinVar:

NM_001378120.1(MBD5):c.2897A>G (p.Asn966Ser)

Gene: MBD5 (methyl-CpG binding domain protein 5; plus strand). Cytogenetic location: 2q23.1.
Variant type: single nucleotide variant.
Coding change: c.2897A>G on transcript NM_001378120.1 (MANE Select); coding-DNA position 2897, A replaced by G.
Protein change: p.Asn966Ser; replaces asparagine 966 with serine.
Molecular consequence: missense variant. On other transcripts: intron variant (6).
Genome position (GRCh38, 1-based): chr2:148,483,488, A>G. VCF-style: chr2-148483488-A-G. GRCh37 (hg19) VCF-style: chr2-149241057-A-G.
Other names: c.2897A>G, p.Asn966Ser (NM_001438854.1, NM_001438856.1, NM_001438857.1 and 1 more transcripts); c.2845+52A>G (NM_018328.5, NM_001438862.1, NM_001438860.1 and 3 more transcripts); short protein forms N966S.
Identifiers: ClinVar variation 4823724 (VCV004823724.4).

ClinVar aggregate classification (germline): Likely benign (1 of 4 stars; one submission).

gnomAD v4.1: 26 of 1,613,442 alleles (0.0016%); highest among the groups gnomAD compares: Admixed American, 0.043%; no homozygotes.

Submission:

CeGaT Center for Human Genetics Tuebingen
Classification: Likely benign. Last evaluated: 2026-04-01. Review status: criteria provided, single submitter. Criteria: CeGaT Center For Human Genetics Tuebingen Variant Classification Criteria Version 2. Collection method: clinical testing. Allele origin: germline. Affected: yes. Observed: 2 variant alleles.
Comment: MBD5: BP4